The following is an entry in ClinVar:

NM_002853.4(RAD1):c.608A>G (p.Tyr203Cys)

Genes: RAD1 (RAD1 checkpoint DNA exonuclease; minus strand), TTC23L (tetratricopeptide repeat domain 23 like; plus strand). Cytogenetic location: 5p13.2.
Variant type: single nucleotide variant.
Coding change: c.608A>G on transcript NM_002853.4 (MANE Select); coding-DNA position 608, A replaced by G.
Protein change: p.Tyr203Cys; replaces tyrosine 203 with cysteine.
Molecular consequence: missense variant. On other transcripts: non-coding transcript variant (1).
Genome position (GRCh38, 1-based): chr5:34,909,315, T>C on the plus strand (A>G on the coding strand, the complement: RAD1 is on the minus strand). VCF-style: chr5-34909315-T-C. GRCh37 (hg19) VCF-style: chr5-34909420-T-C.
Other names: short protein forms Y203C.
Identifiers: ClinVar variation 3039861 (VCV003039861.2), dbSNP rs77501359, ClinGen allele CA3227773.

ClinVar aggregate classification (germline): Likely benign (0 of 4 stars; one submission).

Conditions:
RAD1-related disorder. Also called: RAD1-related condition.

Allele frequency attached by ClinVar (database versions not stated): gnomAD exomes 0.00006; 1000 Genomes Project 30x 0.00016; ExAC 0.00018; 1000 Genomes Project 0.00020; gnomAD 0.00067; ESP Exome Variant Server 0.00069; TOPMed 0.00070.
gnomAD v4.1: 197 of 1,611,654 alleles (0.012%); highest among the groups gnomAD compares: African/African-American, 0.23%; no homozygotes.

Submission:

PreventionGenetics, part of Exact Sciences
Classification: Likely benign for RAD1-related condition. Last evaluated: 2022-06-02. Review status: no assertion criteria provided. Collection method: clinical testing. Allele origin: germline.
Comment: This variant is classified as likely benign based on ACMG/AMP sequence variant interpretation guidelines (Richards et al. 2015 PMID: 25741868, with internal and published modifications).